The following is an entry in ClinVar:

ClinVar aggregate classification (germline): Benign/Likely benign. Review status: criteria provided, multiple submitters, no conflicts (2 of 4 stars). 3 submissions from 3 submitters: Benign (1); Likely benign (2). Last evaluated 2025-12-31.

Conditions:
Emery-Dreifuss muscular dystrophy 4, autosomal dominant (EDMD4). Also called: EMERY-DREIFUSS MUSCULAR DYSTROPHY 4 WITH VARIABLE FEATURES. Identifiers: Orphanet 261, MedGen C2751807, MONDO:0013071, OMIM 612998.
Autosomal recessive ataxia, Beauce type. Also called: SYNE1 Deficiency; Spinocerebellar ataxia, autosomal recessive 8; ATAXIA, RECESSIVE, OF BEAUCE; SYNE1-Related Autosomal Recessive Cerebellar Ataxia. Identifiers: Orphanet 88644, MedGen C1853116, MONDO:0012549, OMIM 610743.

Allele frequency attached by ClinVar (database versions not stated): gnomAD exomes 0.00006 and 0.00034; gnomAD 0.00009 and 0.00011; TOPMed 0.00012; 1000 Genomes Project 0.00020; 1000 Genomes Project 30x 0.00031; ExAC 0.00035.
gnomAD v4.1: 99 of 1,614,122 alleles (0.0061%); highest among the groups gnomAD compares: East Asian, 0.15%; no homozygotes.

Submissions (3):

Labcorp Genetics (formerly Invitae), Labcorp
Classification: Likely benign for Emery-Dreifuss muscular dystrophy 4, autosomal dominant; Autosomal recessive ataxia, Beauce type. Last evaluated: 2025-12-31. Review status: criteria provided, single submitter. Criteria: Invitae Variant Classification Sherloc (09022015). Collection method: clinical testing. Allele origin: germline.

Athena Diagnostics
Classification: Benign. Last evaluated: 2024-05-23. Review status: criteria provided, single submitter. Criteria: Athena Diagnostics Criteria. Collection method: clinical testing. Allele origin: unknown.

GeneDx
Classification: Likely benign. Last evaluated: 2017-11-08. Review status: criteria provided, single submitter. Criteria: GeneDx Variant Classification (06012015). Collection method: clinical testing. Allele origin: germline. Affected: yes.
Comment: This variant is considered likely benign or benign based on one or more of the following criteria: it is a conservative change, it occurs at a poorly conserved position in the protein, it is predicted to be benign by multiple in silico algorithms, and/or has population frequency not consistent with disease.

Literature cited by the submitters: PubMed 34284285 (cited by Athena Diagnostics).

NM_182961.4(SYNE1):c.13769A>G (p.Asn4590Ser)

Gene: SYNE1 (spectrin repeat containing nuclear envelope protein 1; minus strand). Cytogenetic location: 6q25.2.
Variant type: single nucleotide variant.
Coding change: c.13769A>G on transcript NM_182961.4 (MANE Select); coding-DNA position 13769, A replaced by G.
Protein change: p.Asn4590Ser; replaces asparagine 4590 with serine.
Molecular consequence: missense variant.
Genome position (GRCh38, 1-based): chr6:152,330,916, T>C on the plus strand (A>G on the coding strand, the complement: SYNE1 is on the minus strand). VCF-style: chr6-152330916-T-C. GRCh37 (hg19) VCF-style: chr6-152652051-T-C.
Other names: c.13769A>G (NM_182961.2); c.13556A>G, p.Asn4519Ser (NM_033071.5); short protein forms N4519S, N4590S.
Identifiers: ClinVar variation 513018 (VCV000513018.11), dbSNP rs199827801, ClinGen allele CA4056125.